The following is an entry in ClinVar:

ClinVar aggregate classification (germline): Uncertain significance (1 of 4 stars; one submission).

gnomAD v4.1: 1 of 1,613,488 alleles (0.000062%); no homozygotes.

Submission:

Ambry Genetics
Classification: Uncertain significance. Last evaluated: 2021-11-30. Review status: criteria provided, single submitter. Criteria: Ambry Variant Classification Scheme 2023. Collection method: clinical testing. Allele origin: germline.
Comment: The p.H1187L variant (also known as c.3560A>T), located in coding exon 16 of the POLQ gene, results from an A to T substitution at nucleotide position 3560. The histidine at codon 1187 is replaced by leucine, an amino acid with similar properties. This amino acid position is conserved. In addition, this alteration is predicted to be tolerated by in silico analysis. Since supporting evidence is limited at this time, the clinical significance of this alteration remains unclear.

NM_199420.4(POLQ):c.3560A>T (p.His1187Leu)

Gene: POLQ (DNA polymerase theta; minus strand). Cytogenetic location: 3q13.33.
Variant type: single nucleotide variant.
Coding change: c.3560A>T on transcript NM_199420.4 (MANE Select); coding-DNA position 3560, A replaced by T.
Protein change: p.His1187Leu; replaces histidine 1187 with leucine.
Molecular consequence: missense variant.
Genome position (GRCh38, 1-based): chr3:121,489,371, T>A on the plus strand (A>T on the coding strand, the complement: POLQ is on the minus strand). VCF-style: chr3-121489371-T-A. GRCh37 (hg19) VCF-style: chr3-121208218-T-A.
Other names: short protein forms H1187L.
Identifiers: ClinVar variation 1732700 (VCV001732700.2), dbSNP rs2546787264, ClinGen allele CA354099194.